The following is an entry in ClinVar:

ClinVar aggregate classification (germline): Uncertain significance (1 of 4 stars; one submission).

Conditions:
Oligodontia-cancer predisposition syndrome. Also called: TOOTH AGENESIS-COLORECTAL CANCER SYNDROME. Identifiers: Orphanet 300576, MedGen C1837750, MONDO:0012075, OMIM 608615. Disease mechanism: loss of function.

Submission:

Labcorp Genetics (formerly Invitae), Labcorp
Classification: Uncertain significance for Oligodontia-cancer predisposition syndrome. Last evaluated: 2021-01-15. Review status: criteria provided, single submitter. Criteria: Invitae Variant Classification Sherloc (09022015). Collection method: clinical testing. Allele origin: germline.
Comment: This variant, c.2161_2163del, results in the deletion of 1 amino acid(s) of the AXIN2 protein (p.Gln721del), but otherwise preserves the integrity of the reading frame. This variant is not present in population databases (ExAC no frequency). This variant has not been reported in the literature in individuals with AXIN2-related conditions. Experimental studies and prediction algorithms are not available or were not evaluated, and the functional significance of this variant is currently unknown. In summary, the available evidence is currently insufficient to determine the role of this variant in disease. Therefore, it has been classified as a Variant of Uncertain Significance.

NM_004655.4(AXIN2):c.2158CAG[1] (p.Gln721del)

Gene: AXIN2 (axin 2; minus strand). Cytogenetic location: 17q24.1.
Variant type: Microsatellite.
Coding change: c.2158CAG[1] on transcript NM_004655.4 (MANE Select); one copy of the 3-base unit CAG starting at c.2158; the reference has two copies in a row; one copy, 3 bases deleted.
Protein change: p.Gln721del; deletes glutamine 721.
Molecular consequence: inframe deletion.
Genome position (GRCh38, 1-based): chr17:65,535,700-65,535,702, CTG deleted on the plus strand (CAG on the coding strand, the reverse complement: AXIN2 is on the minus strand); deleting any 3 consecutive bases within chr17:65,535,700-65,535,705 gives the same sequence; the position shown is the placement nearest the transcript's 3' end. VCF-style (leftmost placement, unchanged base first): chr17-65535699-TCTG-T. GRCh37 (hg19) VCF-style: chr17-63531817-TCTG-T.
Other names: c.1963CAG[1], p.Gln656del (NM_001363813.1); short protein forms Q721del, Q656del.
Identifiers: ClinVar variation 1507577 (VCV001507577.8), dbSNP rs2144433723, ClinGen allele CA2580613221.